The following is an entry in ClinVar:

NM_001999.4(FBN2):c.3298T>G (p.Cys1100Gly)

Gene: FBN2 (fibrillin 2; minus strand). Cytogenetic location: 5q23.3.
Variant type: single nucleotide variant.
Coding change: c.3298T>G on transcript NM_001999.4 (MANE Select); coding-DNA position 3298, T replaced by G.
Protein change: p.Cys1100Gly; replaces cysteine 1100 with glycine.
Molecular consequence: missense variant.
Genome position (GRCh38, 1-based): chr5:128,344,430, A>C on the plus strand (T>G on the coding strand, the complement: FBN2 is on the minus strand). VCF-style: chr5-128344430-A-C. GRCh37 (hg19) VCF-style: chr5-127680122-A-C.
Other names: short protein forms C1100G.
Identifiers: ClinVar variation 2851145 (VCV002851145.3), dbSNP rs2126912100, ClinGen allele CA360761941.

ClinVar aggregate classification (germline): Pathogenic (1 of 4 stars; one submission).

Conditions:
Congenital contractural arachnodactyly (CCA). Also called: BEALS SYNDROME; Beals-Hecht syndrome; Arthrogryposis, distal, type 9. Identifiers: Orphanet 115, MedGen C0220668, MONDO:0007363, OMIM 121050.

Submission:

Labcorp Genetics (formerly Invitae), Labcorp
Classification: Pathogenic for Congenital contractural arachnodactyly. Last evaluated: 2023-03-31. Review status: criteria provided, single submitter. Criteria: Invitae Variant Classification Sherloc (09022015). Collection method: clinical testing. Allele origin: germline.
Comment: For these reasons, this variant has been classified as Pathogenic. This variant affects a cysteine residue located within an epidermal growth factor (EGF)–like domain of the FBN2 protein. Cysteine residues in these domains are involved in the formation of disulfide bridges critical for protein structure and stability (PMID: 3495735, 4750422, 16677079). In addition, missense substitutions within the FBN2 EGF-like domains affecting cysteine residues are overrepresented in patients with congenital contractural arachnodactyly (PMID: 18767143). Advanced modeling of protein sequence and biophysical properties (such as structural, functional, and spatial information, amino acid conservation, physicochemical variation, residue mobility, and thermodynamic stability) performed at Invitae indicates that this missense variant is expected to disrupt FBN2 protein function. This missense change has been observed in individual(s) with congenital contractural arachnodactyly (Invitae). This variant is not present in population databases (gnomAD no frequency). This sequence change replaces cysteine, which is neutral and slightly polar, with glycine, which is neutral and non-polar, at codon 1100 of the FBN2 protein (p.Cys1100Gly).

Literature cited by the submitters: PubMed 3495735; PubMed 4750422; PubMed 16677079; PubMed 18767143.